The following is an entry in ClinVar:

ClinVar aggregate classification (germline): Conflicting classifications of pathogenicity. Review status: criteria provided, conflicting classifications (1 of 4 stars). 4 submissions from 4 submitters: Uncertain significance (3); Likely benign (1). Last evaluated 2026-02-02.

Conditions:
FLNB-Related Spectrum Disorders.

Allele frequency attached by ClinVar (database versions not stated): ESP Exome Variant Server 0.00008; TOPMed 0.00015; 1000 Genomes Project 30x 0.00016; ExAC 0.00017; gnomAD exomes 0.00017 and 0.00027; gnomAD 0.00018 and 0.00021; 1000 Genomes Project 0.00020.
gnomAD v4.1: 420 of 1,614,098 alleles (0.026%); highest among the groups gnomAD compares: South Asian, 0.069%; no homozygotes.

Submissions (4):

Labcorp Genetics (formerly Invitae), Labcorp
Classification: Likely benign. Last evaluated: 2026-02-02. Review status: criteria provided, single submitter. Criteria: Invitae Variant Classification Sherloc (09022015). Collection method: clinical testing. Allele origin: germline.

Women's Health and Genetics/Laboratory Corporation of America, LabCorp
Classification: Uncertain significance. Last evaluated: 2025-03-06. Review status: criteria provided, single submitter. Criteria: LabCorp Variant Classification Summary - May 2015. Collection method: clinical testing. Allele origin: germline.
Comment: Variant summary: FLNB c.4414G>A (p.Val1472Met) results in a conservative amino acid change in the encoded protein sequence. Four of five in-silico tools predict a benign effect of the variant on protein function. The variant allele was found at a frequency of 0.00017 in 251480 control chromosomes. This frequency is not significantly higher than estimated for a pathogenic variant in FLNB causing Larsen Syndrome, allowing no conclusion about variant significance. To our knowledge, no occurrence of c.4414G>A in individuals affected with Larsen Syndrome and no experimental evidence demonstrating its impact on protein function have been reported. ClinVar contains an entry for this variant (Variation ID: 899584). Based on the evidence outlined above, the variant was classified as uncertain significance.

Blueprint Genetics
Classification: Uncertain significance. Last evaluated: 2024-10-01. Review status: criteria provided, single submitter. Criteria: ACMG Guidelines, 2015. Collection method: clinical testing. Allele origin: germline.

Illumina Laboratory Services, Illumina
Classification: Uncertain significance for FLNB-Related Spectrum Disorders. Last evaluated: 2018-01-12. Review status: criteria provided, single submitter. Criteria: ICSL Variant Classification Criteria 13 December 2019. Collection method: clinical testing. Allele origin: germline.

NM_001457.4(FLNB):c.4414G>A (p.Val1472Met)

Gene: FLNB (filamin B; plus strand). Cytogenetic location: 3p14.3.
Variant type: single nucleotide variant.
Coding change: c.4414G>A on transcript NM_001457.4 (MANE Select); coding-DNA position 4414, G replaced by A.
Protein change: p.Val1472Met; replaces valine 1472 with methionine.
Molecular consequence: missense variant.
Genome position (GRCh38, 1-based): chr3:58,132,831, G>A. VCF-style: chr3-58132831-G-A. GRCh37 (hg19) VCF-style: chr3-58118558-G-A.
Other names: c.4507G>A, p.Val1503Met (NM_001164317.2); c.4414G>A, p.Val1472Met (NM_001164318.2, NM_001164319.2); short protein forms V1503M, V1472M.
Identifiers: ClinVar variation 899584 (VCV000899584.13), dbSNP rs141098733, ClinGen allele CA2468770.
Genomic context (GRCh38, chr3:58,132,831, plus strand): 5'-CCAGGCAGCTCCTTAAACCTCTCATCTCTGTCCTCAGGCTTGGTGGAGCCAGTGAACGTG[G>A]TGGACAATGGAGATGGCACACACACAGTAACCTACACCCCATCTCAGGAGGGACCTTACA-3'
Protein context (NP_001448.2, residues 1462-1482): PRGLVEPVNV[Val1472Met]DNGDGTHTVT